The following is an entry in ClinVar:

ClinVar aggregate classification (germline): Uncertain significance. Review status: criteria provided, multiple submitters, no conflicts (2 of 4 stars). 2 submissions from 2 submitters: Uncertain significance (2). Last evaluated 2025-11-23.

Conditions:
Inborn genetic diseases. Identifiers: MedGen C0950123, MeSH D030342.

Allele frequency attached by ClinVar (database versions not stated): gnomAD exomes 0.00001; TOPMed 0.00001.
gnomAD v4.1: 4 of 1,614,210 alleles (0.00025%); highest among the groups gnomAD compares: Admixed American, 0.0067%; no homozygotes.

Submissions (2):

Ambry Genetics
Classification: Uncertain significance for Inborn genetic diseases. Last evaluated: 2025-11-23. Review status: criteria provided, single submitter. Criteria: Ambry Variant Classification Scheme 2023. Collection method: clinical testing. Allele origin: germline.

Labcorp Genetics (formerly Invitae), Labcorp
Classification: Uncertain significance. Last evaluated: 2022-08-23. Review status: criteria provided, single submitter. Criteria: Invitae Variant Classification Sherloc (09022015). Collection method: clinical testing. Allele origin: germline.
Comment: This sequence change replaces tyrosine, which is neutral and polar, with phenylalanine, which is neutral and non-polar, at codon 348 of the DBR1 protein (p.Tyr348Phe). This variant is not present in population databases (gnomAD no frequency). This variant has not been reported in the literature in individuals affected with DBR1-related conditions. Algorithms developed to predict the effect of missense changes on protein structure and function (SIFT, PolyPhen-2, Align-GVGD) all suggest that this variant is likely to be tolerated. Algorithms developed to predict the effect of sequence changes on RNA splicing suggest that this variant may create or strengthen a splice site. In summary, the available evidence is currently insufficient to determine the role of this variant in disease. Therefore, it has been classified as a Variant of Uncertain Significance.

NM_016216.4(DBR1):c.1043A>T (p.Tyr348Phe)

Gene: DBR1 (debranching RNA lariats 1; minus strand). Cytogenetic location: 3q22.3.
Variant type: single nucleotide variant.
Coding change: c.1043A>T on transcript NM_016216.4 (MANE Select); coding-DNA position 1043, A replaced by T.
Protein change: p.Tyr348Phe; replaces tyrosine 348 with phenylalanine.
Molecular consequence: missense variant.
Genome position (GRCh38, 1-based): chr3:138,162,481, T>A on the plus strand (A>T on the coding strand, the complement: DBR1 is on the minus strand). VCF-style: chr3-138162481-T-A. GRCh37 (hg19) VCF-style: chr3-137881323-T-A.
Other names: c.1043A>T (NM_016216.3); short protein forms Y348F.
Identifiers: ClinVar variation 1978350 (VCV001978350.2), dbSNP rs1559882056, ClinGen allele CA354671225.